The following is an entry in ClinVar:

ClinVar aggregate classification (germline): Uncertain significance (1 of 4 stars; one submission).

Conditions:
Joubert syndrome 21 (JBTS21). Identifiers: MedGen C3810212, MONDO:0014288, OMIM 615636.

Submission:

Labcorp Genetics (formerly Invitae), Labcorp
Classification: Uncertain significance for Joubert syndrome 21. Last evaluated: 2020-02-11. Review status: criteria provided, single submitter. Criteria: Invitae Variant Classification Sherloc (09022015). Collection method: clinical testing. Allele origin: germline.
Comment: This variant results in a copy number gain of the genomic region encompassing exons 9-29 of the CSPP1 gene. The 5' boundary is likely confined to intron 8. The 3' end of this event is unknown as it extends beyond the assayed region for this gene and therefore may encompass additional genes. As the precise location of this event is unknown, it may be in tandem or it may be located elsewhere in the genome. This variant has not been reported in the literature in individuals with CSPP1-related conditions. In summary, the available evidence is currently insufficient to determine the role of this variant in disease. Therefore, it has been classified as a Variant of Uncertain Significance.

NC_000008.10:g.(?_68024197)_(68107828_?)dup

Gene: CSPP1 (centrosome and spindle pole associated protein 1; plus strand). Cytogenetic location: 8q13.2.
Variant type: Duplication.
Identifiers: ClinVar variation 1017525 (VCV001017525.2).